The following is an entry in ClinVar:

NM_145290.4(ADGRA3):c.3721G>A (p.Asp1241Asn)

Gene: ADGRA3 (adhesion G protein-coupled receptor A3; minus strand). Cytogenetic location: 4p15.2.
Variant type: single nucleotide variant.
Coding change: c.3721G>A on transcript NM_145290.4 (MANE Select); coding-DNA position 3721, G replaced by A.
Protein change: p.Asp1241Asn; replaces aspartic acid 1241 with asparagine.
Molecular consequence: missense variant.
Genome position (GRCh38, 1-based): chr4:22,387,950, C>T on the plus strand (G>A on the coding strand, the complement: ADGRA3 is on the minus strand). VCF-style: chr4-22387950-C-T. GRCh37 (hg19) VCF-style: chr4-22389573-C-T.
Other names: short protein forms D1241N.
Identifiers: ClinVar variation 853545 (VCV000853545.9), dbSNP rs756895556, ClinGen allele CA2873309.

ClinVar aggregate classification (germline): Uncertain significance (1 of 4 stars; one submission).

Allele frequency attached by ClinVar (database versions not stated): gnomAD exomes 0.00001; TOPMed 0.00001; ExAC 0.00002.
gnomAD v4.1: 21 of 1,614,128 alleles (0.0013%); highest among the groups gnomAD compares: Middle Eastern, 0.13%; no homozygotes.

Submission:

Labcorp Genetics (formerly Invitae), Labcorp
Classification: Uncertain significance. Last evaluated: 2025-08-18. Review status: criteria provided, single submitter. Criteria: Invitae Variant Classification Sherloc (09022015). Collection method: clinical testing. Allele origin: germline.
Comment: This sequence change replaces aspartic acid, which is acidic and polar, with asparagine, which is neutral and polar, at codon 1241 of the ADGRA3 protein (p.Asp1241Asn). This variant is present in population databases (rs756895556, gnomAD 0.007%). This variant has not been reported in the literature in individuals affected with ADGRA3-related conditions. ClinVar contains an entry for this variant (Variation ID: 853545). An algorithm developed to predict the effect of missense changes on protein structure and function (PolyPhen-2) suggests that this variant is likely to be disruptive. In summary, the available evidence is currently insufficient to determine the role of this variant in disease. Therefore, it has been classified as a Variant of Uncertain Significance.